The following is an entry in ClinVar:

ClinVar aggregate classification (germline): Likely benign (1 of 4 stars; one submission).

Allele frequency attached by ClinVar (database versions not stated): TOPMed below 0.00001.

Submission:

GeneDx
Classification: Likely benign. Last evaluated: 2018-03-23. Review status: criteria provided, single submitter. Criteria: GeneDx Variant Classification (06012015). Collection method: clinical testing. Allele origin: germline. Affected: yes.
Comment: This variant is considered likely benign or benign based on one or more of the following criteria: it is a conservative change, it occurs at a poorly conserved position in the protein, it is predicted to be benign by multiple in silico algorithms, and/or has population frequency not consistent with disease.

NM_006265.3(RAD21):c.1704+4T>C

Gene: RAD21 (RAD21 cohesin complex component; minus strand). Cytogenetic location: 8q24.11.
Variant type: single nucleotide variant.
Coding change: c.1704+4T>C on transcript NM_006265.3 (MANE Select); 4 bases into the intron after coding-DNA position 1704, T replaced by C.
Molecular consequence: intron variant.
Genome position (GRCh38, 1-based): chr8:116,848,942, A>G on the plus strand (T>C on the coding strand, the complement: RAD21 is on the minus strand). VCF-style: chr8-116848942-A-G. GRCh37 (hg19) VCF-style: chr8-117861181-A-G.
Identifiers: ClinVar variation 680854 (VCV000680854.1), dbSNP rs1586261589, ClinGen allele CA371992526.